The following is an entry in ClinVar:

NM_000441.2(SLC26A4):c.94T>C (p.Phe32Leu)

Genes: SLC26A4-AS1 (SLC26A4 antisense RNA 1; minus strand), SLC26A4 (solute carrier family 26 member 4; plus strand). Cytogenetic location: 7q22.3.
Variant type: single nucleotide variant.
Coding change: c.94T>C on transcript NM_000441.2 (MANE Select); coding-DNA position 94, T replaced by C.
Protein change: p.Phe32Leu; replaces phenylalanine 32 with leucine.
Molecular consequence: missense variant. On other transcripts: non-coding transcript variant (1).
Genome position (GRCh38, 1-based): chr7:107,661,735, T>C. VCF-style: chr7-107661735-T-C. GRCh37 (hg19) VCF-style: chr7-107302180-T-C.
Other names: short protein forms F32L.
Identifiers: ClinVar variation 3387798 (VCV003387798.2).
Genomic context (GRCh38, chr7:107,661,735, plus strand): 5'-CAGCTCCCCGAGTACAGCTGCAGCTACATGGTGTCGCGGCCGGTCTACAGCGAGCTCGCT[T>C]TCCAGCAACAGCACGAGCGGCGCCTGCAGGAGCGCAAGACGCTGCGGGAGAGCCTGGCCA-3'
Protein context (NP_000432.1, residues 22-42): VSRPVYSELA[Phe32Leu]QQQHERRLQE

ClinVar aggregate classification (germline): Likely pathogenic. Review status: criteria provided, multiple submitters, no conflicts (2 of 4 stars). 2 submissions from 2 submitters: Likely pathogenic (2). Last evaluated 2025-12-30.

Conditions:
Pendred syndrome (PDS). Also called: Pendred's syndrome; DEAFNESS WITH GOITER; GOITER-DEAFNESS SYNDROME; HYPOTHYROIDISM, CONGENITAL, DUE TO DYSHORMONOGENESIS, 2B; Pendred Syndrome (PDS); THYROID DYSHORMONOGENESIS 2B. Identifiers: Orphanet 705, MedGen C0271829, MONDO:0010134, OMIM 274600.

gnomAD v4.1: 3 of 1,555,030 alleles (0.00019%); highest among the groups gnomAD compares: African/African-American, 0.0014%; no homozygotes.

Submissions (2):

Natera, Inc.
Classification: Likely pathogenic for Pendred syndrome. Last evaluated: 2025-12-30. Review status: criteria provided, single submitter. Criteria: Natera Variant Classification Schema (03/2026). Collection method: clinical testing. Allele origin: germline.
Comment: The c.94T>C variant in SLC26A4 is a missense variant predicted to cause substitution of phenylalanine to leucine at amino acid 32. This variant is rare in the general population with a frequency below the threshold expected for the associated phenotype(s). This variant has been observed in one or more individuals affected with the associated recessive disease, as either homozygous or compound heterozygous with a second variant (PMID: 40371963). Additionally, this variant has been observed to segregate in affected family members (PMID: 40371963). Computational prediction algorithms indicate this variant is likely to affect gene or protein function. Given the available evidence, this variant is classified as Likely Pathogenic.

Center for Statistical Genetics, Columbia University
Classification: Likely pathogenic for Pendred syndrome. Last evaluated: 2024-11-08. Review status: criteria provided, single submitter. Criteria: ACMG Guidelines, 2015. Collection method: research. Allele origin: germline. Inheritance: Autosomal recessive inheritance. Affected: yes. Observed: 2 compound heterozygotes.

Literature cited by the submitters: PubMed 40371963 (cited by Natera, Inc.).